The following is an entry in ClinVar:

NM_001723.7(DST):c.6264A>C (p.Lys2088Asn)

Gene: DST (dystonin; minus strand). Cytogenetic location: 6p12.1.
Variant type: single nucleotide variant.
Coding change: c.6264A>C on transcript NM_001723.7 (MANE Plus Clinical); coding-DNA position 6264, A replaced by C.
Protein change: p.Lys2088Asn; replaces lysine 2088 with asparagine.
Molecular consequence: missense variant. On other transcripts: intron variant (10).
Genome position (GRCh38, 1-based): chr6:56,617,203, T>G on the plus strand (A>C on the coding strand, the complement: DST is on the minus strand). VCF-style: chr6-56617203-T-G. GRCh37 (hg19) VCF-style: chr6-56482001-T-G.
Other names: c.4831-2719A>C (NM_001144769.5); c.4930-2719A>C (NM_001374722.1, NM_001374736.1); c.4957-2719A>C (NM_001374734.1); c.4417-2719A>C (NM_001144770.2); c.4297-2719A>C (NM_001374730.1, NM_001386100.1, NM_183380.4 and 1 more transcripts); c.3319-2719A>C (NM_015548.5); short protein forms K2088N.
Identifiers: ClinVar variation 1714955 (VCV001714955.6), dbSNP rs2536644277, ClinGen allele CA364565509.

ClinVar aggregate classification (germline): Uncertain significance (1 of 4 stars; one submission).

Conditions:
Epidermolysis bullosa simplex 3, localized or generalized intermediate, with BP230 deficiency (EBS3). Also called: Epidermolysis bullosa simplex, autosomal recessive 2; Epidermolysis bullosa simplex due to BP230 deficiency. Identifiers: Orphanet 412181, MedGen C3809470, MONDO:0014180, OMIM 615425.
Hereditary sensory and autonomic neuropathy type 6. Also called: Neuropathy, hereditary sensory and autonomic, type VI; HSAN VI. Identifiers: Orphanet 314381, MedGen C3539003, MONDO:0013839, OMIM 614653.

Submission:

Labcorp Genetics (formerly Invitae), Labcorp
Classification: Uncertain significance for Epidermolysis bullosa simplex 3, localized or generalized intermediate, with BP230 deficiency; Hereditary sensory and autonomic neuropathy type 6. Last evaluated: 2022-08-03. Review status: criteria provided, single submitter. Criteria: Invitae Variant Classification Sherloc (09022015). Collection method: clinical testing. Allele origin: germline.
Comment: In summary, the available evidence is currently insufficient to determine the role of this variant in disease. Therefore, it has been classified as a Variant of Uncertain Significance. Algorithms developed to predict the effect of missense changes on protein structure and function (SIFT, PolyPhen-2, Align-GVGD) all suggest that this variant is likely to be tolerated. This variant has not been reported in the literature in individuals affected with DST-related conditions. This variant is not present in population databases (gnomAD no frequency). This sequence change replaces lysine, which is basic and polar, with asparagine, which is neutral and polar, at codon 2088 of the DST protein (p.Lys2088Asn).